The following is an entry in ClinVar:

NM_001130009.3(GEN1):c.175del (p.Arg59fs)

Gene: GEN1 (GEN1 structure-specific endonuclease; plus strand). Cytogenetic location: 2p24.2.
Variant type: Deletion.
Coding change: c.175del on transcript NM_001130009.3 (MANE Select); coding-DNA position 175, one base deleted (C; older notation c.175delC).
Protein change: p.Arg59fs; shifts the reading frame from arginine 59.
Molecular consequence: frameshift variant.
Genome position (GRCh38, 1-based): chr2:17,761,409, C deleted. VCF-style (leftmost placement, unchanged base first): chr2-17761408-TC-T. GRCh37 (hg19) VCF-style: chr2-17942675-TC-T.
Other names: c.175del, p.Arg59fs (NM_182625.5); short protein forms R59fs.
Identifiers: ClinVar variation 2885540 (VCV002885540.3), dbSNP rs762625410, ClinGen allele CA1540346.
Genomic context (GRCh38, chr2:17,761,408, plus strand): 5'-TACTATCAGTGTTTGATGATTAATGTATTACTAATTTATATATTTCAGGAACTTATTTTT[TC>T]GTATCTCATATTTAACACAAATGGATGTAAAACTGGTATTTGTTATGGAAGGGGAACCAC-3'

ClinVar aggregate classification (germline): Uncertain significance (1 of 4 stars; one submission).

Allele frequency attached by ClinVar (database versions not stated): gnomAD exomes below 0.00001; ExAC 0.00001; gnomAD 0.00001; TOPMed 0.00001.

Submission:

Labcorp Genetics (formerly Invitae), Labcorp
Classification: Uncertain significance. Last evaluated: 2023-06-10. Review status: criteria provided, single submitter. Criteria: Invitae Variant Classification Sherloc (09022015). Collection method: clinical testing. Allele origin: germline.
Comment: This variant has not been reported in the literature in individuals affected with GEN1-related conditions. In summary, the available evidence is currently insufficient to determine the role of this variant in disease. Therefore, it has been classified as a Variant of Uncertain Significance. This variant is present in population databases (rs762625410, gnomAD 0.0009%). This sequence change creates a premature translational stop signal (p.Arg59Valfs*5) in the GEN1 gene. It is expected to result in an absent or disrupted protein product. However, the current clinical and genetic evidence is not sufficient to establish whether loss-of-function variants in GEN1 cause disease.